The following is an entry in ClinVar:

NM_002691.4(POLD1):c.695G>T (p.Arg232Leu)

Gene: POLD1 (DNA polymerase delta 1, catalytic subunit; plus strand). Cytogenetic location: 19q13.33.
Variant type: single nucleotide variant.
Coding change: c.695G>T on transcript NM_002691.4 (MANE Select); coding-DNA position 695, G replaced by T.
Protein change: p.Arg232Leu; replaces arginine 232 with leucine.
Molecular consequence: missense variant. On other transcripts: non-coding transcript variant (1).
Genome position (GRCh38, 1-based): chr19:50,402,310, G>T. VCF-style: chr19-50402310-G-T. GRCh37 (hg19) VCF-style: chr19-50905567-G-T.
Other names: c.695G>T, p.Arg232Leu (NM_001256849.1, NM_001308632.1); short protein forms R232L.
Identifiers: ClinVar variation 4056972 (VCV004056972.1).

ClinVar aggregate classification (germline): Uncertain significance (1 of 4 stars; one submission).

Submission:

GeneDx
Classification: Uncertain significance. Last evaluated: 2025-01-08. Review status: criteria provided, single submitter. Criteria: GeneDx Variant Classification Process June 2021. Collection method: clinical testing. Allele origin: germline. Affected: yes.
Comment: Not observed at significant frequency in large population cohorts (gnomAD); In silico analysis indicates that this missense variant does not alter protein structure/function; Has not been previously published as pathogenic or benign to our knowledge